The following is an entry in ClinVar:

NM_205861.3(DHDDS):c.192G>A (p.Trp64Ter)

Gene: DHDDS (dehydrodolichyl diphosphate synthase subunit; plus strand). Cytogenetic location: 1p36.11.
Variant type: single nucleotide variant.
Coding change: c.192G>A on transcript NM_205861.3 (MANE Select); coding-DNA position 192, G replaced by A.
Protein change: p.Trp64Ter; replaces tryptophan 64 with a stop codon.
Molecular consequence: nonsense. On other transcripts: 5 prime UTR variant (1).
Genome position (GRCh38, 1-based): chr1:26,442,742, G>A. VCF-style: chr1-26442742-G-A. GRCh37 (hg19) VCF-style: chr1-26769233-G-A.
Other names: W74*; c.192G>A, p.Trp64Ter (NM_001243564.2, NM_001243565.2, NM_024887.4); c.-88G>A (NM_001319959.2); short protein forms W64*.
Identifiers: ClinVar variation 488194 (VCV000488194.3), dbSNP rs1553121545, ClinGen allele CA339140083.

ClinVar aggregate classification (germline): Pathogenic. Review status: criteria provided, single submitter (1 of 4 stars). 2 submissions from 2 submitters: Pathogenic (1). 1 of the submissions does not count toward it. Last evaluated 2023-10-26.

Conditions:
Congenital disorder of glycosylation, type Ibb. Identifiers: MedGen C4693133, MONDO:0800353, OMIM 621567.
Retinitis pigmentosa 59 (RP59). Identifiers: Orphanet 791, MedGen C3151227, MONDO:0013468, OMIM 613861.

Submissions (2):

Myriad Genetics, Inc.
Classification: Pathogenic for Retinitis pigmentosa 59. Last evaluated: 2023-10-26. Review status: criteria provided, single submitter. Criteria: Myriad Autosomal Dominant, Autosomal Recessive and X-Linked Classification Criteria (2023). Collection method: clinical testing. Allele origin: unknown.
Comment: NM_024887.3(DHDDS):c.192G>A(W64*) is expected to be pathogenic in the context of retinitis pigmentosa, DHDDS-related. This variant is predicted to lead to an abnormal or absent protein product due to the creation of a premature termination codon in DHDDS, a gene where loss-of-function variants are known to be pathogenic. Please note: this variant was assessed in the context of healthy population screening.

OMIM
Classification: Pathogenic for CONGENITAL DISORDER OF GLYCOSYLATION, TYPE 1bb (1 patient). Last evaluated: 2026-04-22. Review status: no assertion criteria provided. Collection method: literature only. Allele origin: germline. Not counted in ClinVar's aggregate classification.

Literature cited by the submitters: PubMed 27343064 (cited by OMIM).